The following is an entry in ClinVar:

ClinVar aggregate classification (germline): Uncertain significance. Review status: criteria provided, multiple submitters, no conflicts (2 of 4 stars). 2 submissions from 2 submitters: Uncertain significance (2). Last evaluated 2025-12-28.

Conditions:
NFIX-related disorder. Also called: NFIX-related condition.
Inborn genetic diseases. Identifiers: MedGen C0950123, MeSH D030342.

Allele frequency attached by ClinVar (database versions not stated): gnomAD exomes below 0.00001.
gnomAD v4.1: 5 of 1,614,012 alleles (0.00031%); highest among the groups gnomAD compares: Non-Finnish European, 0.00042%; no homozygotes.

Submissions (2):

PreventionGenetics, part of Exact Sciences
Classification: Uncertain significance for NFIX-related condition. Last evaluated: 2025-12-28. Review status: criteria provided, single submitter. Criteria: ACMG Guidelines, 2015. Collection method: clinical testing. Allele origin: germline.
Comment: The NFIX c.597T>G variant is predicted to result in the amino acid substitution p.Asp199Glu. To our knowledge, this variant has not been reported in the literature or in a large population database (gnomAD), indicating this variant is rare. At this time, the clinical significance of this variant is uncertain due to the absence of conclusive functional and genetic evidence.

Ambry Genetics
Classification: Uncertain significance for Inborn genetic diseases. Last evaluated: 2023-11-09. Review status: criteria provided, single submitter. Criteria: Ambry Variant Classification Scheme 2023. Collection method: clinical testing. Allele origin: germline.

NM_001365902.3(NFIX):c.597T>G (p.Asp199Glu)

Gene: NFIX (nuclear factor I X; plus strand). Cytogenetic location: 19p13.13.
Variant type: single nucleotide variant.
Coding change: c.597T>G on transcript NM_001365902.3 (MANE Select); coding-DNA position 597, T replaced by G.
Protein change: p.Asp199Glu; replaces aspartic acid 199 with glutamic acid.
Molecular consequence: missense variant.
Genome position (GRCh38, 1-based): chr19:13,073,084, T>G. VCF-style: chr19-13073084-T-G. GRCh37 (hg19) VCF-style: chr19-13183898-T-G.
Other names: c.621T>G, p.Asp207Glu (NM_001271043.2); c.573T>G, p.Asp191Glu (NM_001271044.3, NM_001378404.1); c.597T>G, p.Asp199Glu (NM_001365982.2, NM_002501.4); c.456T>G, p.Asp152Glu (NM_001365983.2); c.594T>G, p.Asp198Glu (NM_001365984.2, NM_001365985.2); c.645T>G, p.Asp215Glu (NM_001378405.1); c.597T>G (NM_002501.3); short protein forms D191E, D215E, D199E, D152E, D198E, D207E.
Identifiers: ClinVar variation 3197746 (VCV003197746.2), dbSNP rs2525530524, ClinGen allele CA404293668.